The following is an entry in ClinVar:

NM_138409.4(MRAP2):c.499C>G (p.Pro167Ala)

Gene: MRAP2 (melanocortin 2 receptor accessory protein 2; plus strand). Cytogenetic location: 6q14.2.
Variant type: single nucleotide variant.
Coding change: c.499C>G on transcript NM_138409.4 (MANE Select); coding-DNA position 499, C replaced by G.
Protein change: p.Pro167Ala; replaces proline 167 with alanine.
Molecular consequence: missense variant.
Genome position (GRCh38, 1-based): chr6:84,089,362, C>G. VCF-style: chr6-84089362-C-G. GRCh37 (hg19) VCF-style: chr6-84799081-C-G.
Other names: c.499C>G (NM_138409.3); c.241C>G, p.Pro81Ala (NM_001346541.2); c.499C>G, p.Pro167Ala (NM_001346542.2, NM_001346544.2); c.334C>G, p.Pro112Ala (NM_001346543.2); short protein forms P112A, P167A, P81A.
Identifiers: ClinVar variation 2910203 (VCV002910203.4), dbSNP rs749283207, ClinGen allele CA3909667.

ClinVar aggregate classification (germline): Uncertain significance. Review status: criteria provided, single submitter (1 of 4 stars). 2 submissions from 2 submitters: Uncertain significance (1). 1 of the submissions does not count toward it. Last evaluated 2026-01-05.

Conditions:
MRAP2-related disorder. Also called: MRAP2-related condition.

Allele frequency attached by ClinVar (database versions not stated): gnomAD exomes 0.00003; ExAC 0.00004; gnomAD 0.00007.
gnomAD v4.1: 60 of 1,614,020 alleles (0.0037%); highest among the groups gnomAD compares: Non-Finnish European, 0.0044%; no homozygotes.

Submissions (2):

Labcorp Genetics (formerly Invitae), Labcorp
Classification: Uncertain significance. Last evaluated: 2026-01-05. Review status: criteria provided, single submitter. Criteria: Invitae Variant Classification Sherloc (09022015). Collection method: clinical testing. Allele origin: germline.
Comment: This sequence change replaces proline, which is neutral and non-polar, with alanine, which is neutral and non-polar, at codon 167 of the MRAP2 protein (p.Pro167Ala). This variant is present in population databases (rs749283207, gnomAD 0.009%). This missense change has been observed in individual(s) with obesity (PMID: 29970488). ClinVar contains an entry for this variant (Variation ID: 2910203). An algorithm developed to predict the effect of missense changes on protein structure and function (PolyPhen-2) suggests that this variant is likely to be disruptive. In summary, the available evidence is currently insufficient to determine the role of this variant in disease. Therefore, it has been classified as a Variant of Uncertain Significance.

PreventionGenetics, part of Exact Sciences
Classification: Uncertain significance for MRAP2-related condition. Last evaluated: 2024-09-24. Review status: no assertion criteria provided. Collection method: clinical testing. Allele origin: germline. Not counted in ClinVar's aggregate classification.
Comment: The MRAP2 c.499C>G variant is predicted to result in the amino acid substitution p.Pro167Ala. This variant was reported in an individual with obesity; however, no additional evidence was provided to support pathogenicity (Table S1, Kleinendorst et al. 2018. PubMed ID: 29970488). This variant is reported in 0.0093% of alleles in individuals of European (Non-Finnish) descent in gnomAD. At this time, the clinical significance of this variant is uncertain due to the absence of conclusive functional and genetic evidence.

Literature cited by the submitters: PubMed 29970488 (cited by Labcorp Genetics (formerly Invitae), Labcorp).